The following is an entry in ClinVar:

ClinVar aggregate classification (germline): Uncertain significance (1 of 4 stars; one submission).

Conditions:
Infantile-onset X-linked spinal muscular atrophy. Also called: AMC, DISTAL, X-LINKED; ARTHROGRYPOSIS, X-LINKED, TYPE I; SPINAL MUSCULAR ATROPHY, X-LINKED LETHAL INFANTILE; Spinal Muscular Atrophy, X-Linked Infantile; Spinal muscular atrophy, X-linked 2. Identifiers: Orphanet 1145, MedGen C1844934, MONDO:0010532, OMIM 301830.

gnomAD v4.1: 5 of 1,210,716 alleles (0.00041%); highest among the groups gnomAD compares: Non-Finnish European, 0.00056%; no homozygotes.

Submission:

Labcorp Genetics (formerly Invitae), Labcorp
Classification: Uncertain significance for Infantile-onset X-linked spinal muscular atrophy. Last evaluated: 2023-05-22. Review status: criteria provided, single submitter. Criteria: Invitae Variant Classification Sherloc (09022015). Collection method: clinical testing. Allele origin: germline.
Comment: This sequence change replaces threonine, which is neutral and polar, with lysine, which is basic and polar, at codon 981 of the UBA1 protein (p.Thr981Lys). In summary, the available evidence is currently insufficient to determine the role of this variant in disease. Therefore, it has been classified as a Variant of Uncertain Significance. Algorithms developed to predict the effect of sequence changes on RNA splicing suggest that this variant may disrupt the consensus splice site. An algorithm developed to predict the effect of missense changes on protein structure and function (PolyPhen-2) suggests that this variant is likely to be tolerated. This variant has not been reported in the literature in individuals affected with UBA1-related conditions. This variant is present in population databases (no rsID available, gnomAD 0.001%), including at least one homozygous and/or hemizygous individual.

NM_003334.4(UBA1):c.2942C>A (p.Thr981Lys)

Gene: UBA1 (ubiquitin like modifier activating enzyme 1; plus strand). Cytogenetic location: Xp11.3.
Variant type: single nucleotide variant.
Coding change: c.2942C>A on transcript NM_003334.4 (MANE Select); coding-DNA position 2942, C replaced by A.
Protein change: p.Thr981Lys; replaces threonine 981 with lysine.
Molecular consequence: missense variant.
Genome position (GRCh38, 1-based): chrX:47,214,538, C>A. VCF-style: chrX-47214538-C-A. GRCh37 (hg19) VCF-style: chrX-47073937-C-A.
Other names: c.2942C>A, p.Thr981Lys (NM_153280.3); short protein forms T981K.
Identifiers: ClinVar variation 3014456 (VCV003014456.3), dbSNP rs782276375, ClinGen allele CA412811782.